The following is an entry in ClinVar:

ClinVar aggregate classification (germline): Uncertain significance. Review status: criteria provided, multiple submitters, no conflicts (2 of 4 stars). 3 submissions from 3 submitters: Uncertain significance (3). Last evaluated 2025-08-11.

Conditions:
Progressive microcephaly-seizures-cortical blindness-developmental delay syndrome. Also called: Seizures, cortical blindness, and microcephaly syndrome. Identifiers: Orphanet 477814, MedGen C5567650, MONDO:0014714, OMIM 616632.
Autosomal dominant nonsyndromic hearing loss 1. Also called: KONIGSMARK SYNDROME; DEAFNESS, AUTOSOMAL DOMINANT 1, WITH OR WITHOUT THROMBOCYTOPENIA. Identifiers: Orphanet 90635, MedGen C1852282, MONDO:0007424, OMIM 124900.
Inborn genetic diseases. Identifiers: MedGen C0950123, MeSH D030342.

Allele frequency attached by ClinVar (database versions not stated): gnomAD 0.00001.
gnomAD v4.1: 3 of 1,613,912 alleles (0.00019%); highest among the groups gnomAD compares: Non-Finnish European, 0.00025%; no homozygotes.

Submissions (3):

GeneDx
Classification: Uncertain significance. Last evaluated: 2025-08-11. Review status: criteria provided, single submitter. Criteria: GeneDx Variant Classification Process June 2021. Collection method: clinical testing. Allele origin: germline. Affected: yes.
Comment: Not observed at significant frequency in large population cohorts (gnomAD); In silico analysis suggests that this missense variant does not alter protein structure/function; Has not been previously published as pathogenic or benign to our knowledge

Ambry Genetics
Classification: Uncertain significance for Inborn genetic diseases. Last evaluated: 2025-01-27. Review status: criteria provided, single submitter. Criteria: Ambry Variant Classification Scheme 2023. Collection method: clinical testing. Allele origin: germline.

Labcorp Genetics (formerly Invitae), Labcorp
Classification: Uncertain significance for Progressive microcephaly-seizures-cortical blindness-developmental delay syndrome; Autosomal dominant nonsyndromic hearing loss 1. Last evaluated: 2023-11-13. Review status: criteria provided, single submitter. Criteria: Invitae Variant Classification Sherloc (09022015). Collection method: clinical testing. Allele origin: germline.
Comment: This sequence change replaces proline, which is neutral and non-polar, with arginine, which is basic and polar, at codon 581 of the DIAPH1 protein (p.Pro581Arg). This variant is not present in population databases (gnomAD no frequency). This variant has not been reported in the literature in individuals affected with DIAPH1-related conditions. Experimental studies and prediction algorithms are not available or were not evaluated, and the functional significance of this variant is currently unknown. In summary, the available evidence is currently insufficient to determine the role of this variant in disease. Therefore, it has been classified as a Variant of Uncertain Significance.

NM_005219.5(DIAPH1):c.1742C>G (p.Pro581Arg)

Gene: DIAPH1 (diaphanous related formin 1; minus strand). Cytogenetic location: 5q31.3.
Variant type: single nucleotide variant.
Coding change: c.1742C>G on transcript NM_005219.5 (MANE Select); coding-DNA position 1742, C replaced by G.
Protein change: p.Pro581Arg; replaces proline 581 with arginine.
Molecular consequence: missense variant.
Genome position (GRCh38, 1-based): chr5:141,574,108, G>C on the plus strand (C>G on the coding strand, the complement: DIAPH1 is on the minus strand). VCF-style: chr5-141574108-G-C. GRCh37 (hg19) VCF-style: chr5-140953675-G-C.
Other names: c.1742C>G (NM_005219.4); c.1715C>G, p.Pro572Arg (NM_001079812.3); c.1742C>G, p.Pro581Arg (NM_001314007.2); short protein forms P572R, P581R.
Identifiers: ClinVar variation 2938294 (VCV002938294.4), dbSNP rs1457366616, ClinGen allele CA361521623.